The following is an entry in ClinVar:

NM_002397.5(MEF2C):c.559A>G (p.Thr187Ala)

Gene: MEF2C (myocyte enhancer factor 2C; minus strand). Cytogenetic location: 5q14.3.
Variant type: single nucleotide variant.
Coding change: c.559A>G on transcript NM_002397.5 (MANE Select); coding-DNA position 559, A replaced by G.
Protein change: p.Thr187Ala; replaces threonine 187 with alanine.
Molecular consequence: missense variant.
Genome position (GRCh38, 1-based): chr5:88,751,887, T>C on the plus strand (A>G on the coding strand, the complement: MEF2C is on the minus strand). VCF-style: chr5-88751887-T-C. GRCh37 (hg19) VCF-style: chr5-88047704-T-C.
Other names: c.559A>G, p.Thr187Ala (NM_001364349.2, NM_001364350.2, NM_001193350.2 and 18 more transcripts); c.553A>G, p.Thr185Ala (NM_001364352.2, NM_001131005.2, NM_001364343.2); c.181A>G, p.Thr61Ala (NM_001364353.2, NM_001364356.2); c.415A>G, p.Thr139Ala (NM_001364355.2, NM_001364354.2, NM_001193348.1 and 3 more transcripts); c.613A>G, p.Thr205Ala (NM_001193347.1, NM_001364338.2); c.133A>G, p.Thr45Ala (NM_001364357.2); short protein forms T185A, T205A, T139A, T61A, T187A, T45A.
Identifiers: ClinVar variation 3640456 (VCV003640456.2).

ClinVar aggregate classification (germline): Uncertain significance (1 of 4 stars; one submission).

Conditions:
Neurodevelopmental disorder with hypotonia, stereotypic hand movements, and impaired language. Also called: Intellectual disability, autosomal dominant 20. Identifiers: Orphanet 228384, Orphanet 664410, MedGen C3150700, MONDO:0013266, OMIM 613443.

Submission:

Labcorp Genetics (formerly Invitae), Labcorp
Classification: Uncertain significance for Neurodevelopmental disorder with hypotonia, stereotypic hand movements, and impaired language. Last evaluated: 2024-02-13. Review status: criteria provided, single submitter. Criteria: Invitae Variant Classification Sherloc (09022015). Collection method: clinical testing. Allele origin: germline.
Comment: This sequence change replaces threonine, which is neutral and polar, with alanine, which is neutral and non-polar, at codon 187 of the MEF2C protein (p.Thr187Ala). This variant is not present in population databases (gnomAD no frequency). This variant has not been reported in the literature in individuals affected with MEF2C-related conditions. Advanced modeling of protein sequence and biophysical properties (such as structural, functional, and spatial information, amino acid conservation, physicochemical variation, residue mobility, and thermodynamic stability) performed at Invitae indicates that this missense variant is not expected to disrupt MEF2C protein function with a negative predictive value of 80%. In summary, the available evidence is currently insufficient to determine the role of this variant in disease. Therefore, it has been classified as a Variant of Uncertain Significance.